The following is an entry in ClinVar:

ClinVar aggregate classification (germline): Uncertain significance (1 of 4 stars; one submission).

Submission:

Ambry Genetics
Classification: Uncertain significance. Last evaluated: 2023-12-02. Review status: criteria provided, single submitter. Criteria: Ambry Variant Classification Scheme 2023. Collection method: clinical testing. Allele origin: germline.
Comment: The p.A183D variant (also known as c.548C>A), located in coding exon 6 of the BUB1 gene, results from a C to A substitution at nucleotide position 548. The alanine at codon 183 is replaced by aspartic acid, an amino acid with dissimilar properties. This amino acid position is conserved. In addition, this alteration is predicted to be tolerated by in silico analysis. Since supporting evidence is limited at this time, the clinical significance of this alteration remains unclear.

NM_004336.5(BUB1):c.548C>A (p.Ala183Asp)

Gene: BUB1 (BUB1 mitotic checkpoint serine/threonine kinase; minus strand). Cytogenetic location: 2q13.
Variant type: single nucleotide variant.
Coding change: c.548C>A on transcript NM_004336.5 (MANE Select); coding-DNA position 548, C replaced by A.
Protein change: p.Ala183Asp; replaces alanine 183 with aspartic acid.
Molecular consequence: missense variant.
Genome position (GRCh38, 1-based): chr2:110,669,472, G>T on the plus strand (C>A on the coding strand, the complement: BUB1 is on the minus strand). VCF-style: chr2-110669472-G-T. GRCh37 (hg19) VCF-style: chr2-111427049-G-T.
Other names: c.488C>A, p.Ala163Asp (NM_001278616.2); c.548C>A, p.Ala183Asp (NM_001278617.2); short protein forms A163D, A183D.
Identifiers: ClinVar variation 3224107 (VCV003224107.1), dbSNP rs2468030841, ClinGen allele CA348219107.
Genomic context (GRCh38, chr2:110,669,472, plus strand): 5'-CCATTCCCAGTTTCCACACAAGCTACAAATGTCATTATTACCTGATTCTTAGAAATGCAG[G>T]CCATGTTATTTCCTGGATTTGATTTTGATGTTATCATTTGATTTAAAACCTGAACATTAT-3'
Protein context (NP_004327.1, residues 173-193): TSKSNPGNNM[Ala183Asp]CISKNQGSEL